The following is an entry in ClinVar:

ClinVar aggregate classification (germline): Benign/Likely benign. Review status: criteria provided, multiple submitters, no conflicts (2 of 4 stars). 3 submissions from 3 submitters: Benign (1); Likely benign (2). Last evaluated 2025-02-14.

Conditions:
Hereditary cancer-predisposing syndrome. Also called: Hereditary Cancer Syndrome; Hereditary neoplastic syndrome; Neoplastic Syndromes, Hereditary; Tumor predisposition. Identifiers: Orphanet 140162, MedGen C0027672, MeSH D009386, MONDO:0015356.
Breast-ovarian cancer, familial, susceptibility to, 3. Also called: RAD51C-Related Breast/Ovarian Cancer. Identifiers: Orphanet 145, MedGen C3150659, MONDO:0013253, OMIM 613399.
Fanconi anemia complementation group O. Also called: RAD51C-Related Fanconi Anemia. Identifiers: Orphanet 84, MedGen C3150653, MONDO:0013248, OMIM 613390.

gnomAD v4.1: 2 of 1,613,870 alleles (0.00012%); highest among the groups gnomAD compares: South Asian, 0.0011%; no homozygotes.

Submissions (3):

Myriad Genetics, Inc.
Classification: Benign for Breast-ovarian cancer, familial, susceptibility to, 3. Last evaluated: 2025-02-14. Review status: criteria provided, single submitter. Criteria: Myriad Autosomal Dominant, Autosomal Recessive and X-Linked Classification Criteria (2023). Collection method: clinical testing. Allele origin: unknown.
Comment: This variant is considered benign. This variant is a silent/synonymous amino acid change and it is not expected to impact splicing.

Labcorp Genetics (formerly Invitae), Labcorp
Classification: Likely benign for Fanconi anemia complementation group O. Last evaluated: 2020-12-04. Review status: criteria provided, single submitter. Criteria: Invitae Variant Classification Sherloc (09022015). Collection method: clinical testing. Allele origin: germline.

Color Diagnostics, LLC DBA Color Health
Classification: Likely benign for Hereditary cancer-predisposing syndrome. Last evaluated: 2018-11-05. Review status: criteria provided, single submitter. Criteria: ACMG Guidelines, 2015. Collection method: clinical testing. Allele origin: germline.

NM_058216.3(RAD51C):c.348C>T (p.Pro116=)

Gene: RAD51C (RAD51 paralog C; plus strand). Cytogenetic location: 17q22.
Variant type: single nucleotide variant.
Coding change: c.348C>T on transcript NM_058216.3 (MANE Select); coding-DNA position 348, C replaced by T.
Protein change: p.Pro116=; no amino-acid change (proline 116 retained).
Molecular consequence: synonymous variant. On other transcripts: non-coding transcript variant (2).
Genome position (GRCh38, 1-based): chr17:58,695,133, C>T. VCF-style: chr17-58695133-C-T. GRCh37 (hg19) VCF-style: chr17-56772494-C-T.
Other names: c.348C>T, p.Pro116= (NM_002876.4).
Identifiers: ClinVar variation 925461 (VCV000925461.11), dbSNP rs2047955792, ClinGen allele CA501074744.